The following is an entry in ClinVar:

ClinVar aggregate classification (germline): Uncertain significance. Review status: criteria provided, single submitter (1 of 4 stars). 2 submissions from 2 submitters: Uncertain significance (1). 1 of the submissions does not count toward it. Last evaluated 2025-10-07.

Conditions:
FGF10-related disorder. Also called: FGF10-related condition.

gnomAD v4.1: 4 of 1,613,696 alleles (0.00025%); highest among the groups gnomAD compares: Admixed American, 0.0033%; no homozygotes.

Submissions (2):

Women's Health and Genetics/Laboratory Corporation of America, LabCorp
Classification: Uncertain significance. Last evaluated: 2025-10-07. Review status: criteria provided, single submitter. Criteria: LabCorp Variant Classification Summary - May 2015. Collection method: clinical testing. Allele origin: germline.
Comment: Variant summary: FGF10 c.-10T>A is located in the untranslated mRNA region upstream of the initiation codon. The variant was absent in 248868 control chromosomes. The available data on variant occurrences in the general population are insufficient to allow any conclusion about variant significance. To our knowledge, no occurrence of c.-10T>A in individuals affected with FGF10-related conditions and no experimental evidence demonstrating its impact on protein function have been reported. ClinVar contains an entry for this variant (Variation ID: 3055076). Based on the evidence outlined above, the variant was classified as uncertain significance.

PreventionGenetics, part of Exact Sciences
Classification: Uncertain significance for FGF10-related condition. Last evaluated: 2023-12-19. Review status: no assertion criteria provided. Collection method: clinical testing. Allele origin: germline. Not counted in ClinVar's aggregate classification.
Comment: The FGF10 c.-10T>A variant is located in the 5' untranslated region. To our knowledge, this variant has not been reported in the literature. This variant is reported in 0.0029% of alleles in individuals of Latino descent in gnomAD. At this time, the clinical significance of this variant is uncertain due to the absence of conclusive functional and genetic evidence.

NM_004465.2(FGF10):c.-10T>A

Gene: FGF10 (fibroblast growth factor 10; minus strand). Cytogenetic location: 5p12.
Variant type: single nucleotide variant.
Coding change: c.-10T>A on transcript NM_004465.2 (MANE Select); 10 bases upstream of the start codon, T replaced by A.
Molecular consequence: 5 prime UTR variant.
Genome position (GRCh38, 1-based): chr5:44,388,692, A>T on the plus strand (T>A on the coding strand, the complement: FGF10 is on the minus strand). VCF-style: chr5-44388692-A-T. GRCh37 (hg19) VCF-style: chr5-44388794-A-T.
Identifiers: ClinVar variation 3055076 (VCV003055076.3), dbSNP rs143865624, ClinGen allele CA3258597.
Genomic context (GRCh38, chr5:44,388,692, plus strand): 5'-GGGCAGGTGGGGAAAGGCTGAGGCACAATGTGTCAGTATCCATTTCCACATTGTACTGAA[A>T]CTCTCGGCACTGGAAATTGTCTCATCAGAAGGAACATACTGGAAGGGTAAGACCCGATGC-3'